The following is an entry in ClinVar:

NM_001034853.2(RPGR):c.900T>G (p.Ile300Met)

Gene: RPGR (retinitis pigmentosa GTPase regulator; minus strand). Cytogenetic location: Xp11.4.
Variant type: single nucleotide variant.
Coding change: c.900T>G on transcript NM_001034853.2 (MANE Select); coding-DNA position 900, T replaced by G.
Protein change: p.Ile300Met; replaces isoleucine 300 with methionine.
Molecular consequence: missense variant. On other transcripts: non-coding transcript variant (5).
Genome position (GRCh38, 1-based): chrX:38,304,669, A>C on the plus strand (T>G on the coding strand, the complement: RPGR is on the minus strand). VCF-style: chrX-38304669-A-C. GRCh37 (hg19) VCF-style: chrX-38163922-A-C.
Other names: c.900T>G, p.Ile300Met (NM_000328.3, NM_001367246.1, NM_001367247.1 and 1 more transcripts); c.897T>G, p.Ile299Met (NM_001367245.1, NM_001367249.1, NM_001367250.1); c.930T>G, p.Ile310Met (NM_001367248.1); short protein forms I299M, I300M, I310M.
Identifiers: ClinVar variation 2025588 (VCV002025588.4), dbSNP rs2519846833, ClinGen allele CA412741251.

ClinVar aggregate classification (germline): Uncertain significance (1 of 4 stars; one submission).

Conditions:
Primary ciliary dyskinesia. Also called: Ciliary dyskinesia. Identifiers: Orphanet 244, MedGen C0008780, MONDO:0016575, HP:0012265.

Submission:

Labcorp Genetics (formerly Invitae), Labcorp
Classification: Uncertain significance for Primary ciliary dyskinesia. Last evaluated: 2022-08-21. Review status: criteria provided, single submitter. Criteria: Invitae Variant Classification Sherloc (09022015). Collection method: clinical testing. Allele origin: germline.
Comment: In summary, the available evidence is currently insufficient to determine the role of this variant in disease. Therefore, it has been classified as a Variant of Uncertain Significance. This sequence change replaces isoleucine, which is neutral and non-polar, with methionine, which is neutral and non-polar, at codon 300 of the RPGR protein (p.Ile300Met). This variant is not present in population databases (gnomAD no frequency). This variant has not been reported in the literature in individuals affected with RPGR-related conditions. Algorithms developed to predict the effect of missense changes on protein structure and function are either unavailable or do not agree on the potential impact of this missense change (SIFT: "Deleterious"; PolyPhen-2: "Probably Damaging"; Align-GVGD: "Class C0").